The following is an entry in ClinVar:

NM_002303.6(LEPR):c.371-25_371-9del

Gene: LEPR (leptin receptor; plus strand). Cytogenetic location: 1p31.3.
Variant type: Deletion.
Coding change: c.371-25_371-9del on transcript NM_002303.6 (MANE Select); 25 bases into the intron before coding-DNA position 371 through 9 bases into the intron before coding-DNA position 371, 17 bases deleted (TTTTTTTTTTTTTTTTT).
Molecular consequence: intron variant.
Genome position (GRCh38, 1-based): chr1:65,572,301-65,572,317, TTTTTTTTTTTTTTTTT deleted; deleting any 17 consecutive bases within chr1:65,572,291-65,572,317 gives the same sequence; the c. name uses the placement nearest the transcript's 3' end. VCF-style (leftmost placement, unchanged base first): chr1-65572290-GTTTTTTTTTTTTTTTTT-G. GRCh37 (hg19) VCF-style: chr1-66037973-GTTTTTTTTTTTTTTTTT-G.
Other names: c.371-25_371-9del (NM_001003679.3, NM_001003680.3, NM_001198689.2 and 2 more transcripts).
Identifiers: ClinVar variation 4981005 (VCV004981005.1).

ClinVar aggregate classification (germline): Likely benign (1 of 4 stars; one submission).

Conditions:
LEPR-related disorder. Also called: LEPR-related disorders; LEPR-related condition.

Submission:

PreventionGenetics, part of Exact Sciences
Classification: Likely benign for LEPR-related condition. Last evaluated: 2024-11-27. Review status: criteria provided, single submitter. Criteria: ACMG Guidelines, 2015. Collection method: clinical testing. Allele origin: germline.
Comment: This variant is classified as likely benign based on ACMG/AMP sequence variant interpretation guidelines (Richards et al. 2015 PMID: 25741868, with internal and published modifications).